The following is an entry in ClinVar:

ClinVar aggregate classification (germline): Benign/Likely benign. Review status: criteria provided, multiple submitters, no conflicts (2 of 4 stars). 4 submissions from 4 submitters: Benign (1); Likely benign (2). 1 of the submissions does not count toward it. Last evaluated 2026-06-02.

Conditions:
Hereditary cancer-predisposing syndrome. Also called: Neoplastic Syndromes, Hereditary; Hereditary Cancer Syndrome; Hereditary neoplastic syndrome; Tumor predisposition. Identifiers: Orphanet 140162, MedGen C0027672, MeSH D009386, MONDO:0015356.
KIT-related disorder. Also called: KIT-related condition.
Gastrointestinal stromal tumor. Also called: Gastrointestinal stroma tumor; Gastrointestinal stromal tumor, somatic. Identifiers: Orphanet 44890, MedGen C0238198, MeSH D046152, MONDO:0011719, OMIM 606764, HP:0100723.

Allele frequency attached by ClinVar (database versions not stated): gnomAD 0.00022; TOPMed 0.00029; ESP Exome Variant Server 0.00046.
gnomAD v4.1: 127 of 1,614,008 alleles (0.0079%); highest among the groups gnomAD compares: African/African-American, 0.084%; no homozygotes.

Submissions (4):

Myriad Genetics, Inc.
Classification: Benign for Gastrointestinal stromal tumor. Last evaluated: 2026-06-02. Review status: criteria provided, single submitter. Criteria: Myriad Autosomal Dominant, Autosomal Recessive and X-Linked Classification Criteria (2023). Collection method: clinical testing. Allele origin: unknown.
Comment: This variant is considered benign. This variant is a silent/synonymous amino acid change and it is not expected to impact splicing.

Labcorp Genetics (formerly Invitae), Labcorp
Classification: Likely benign for Gastrointestinal stromal tumor. Last evaluated: 2026-01-26. Review status: criteria provided, single submitter. Criteria: Invitae Variant Classification Sherloc (09022015). Collection method: clinical testing. Allele origin: germline.

Ambry Genetics
Classification: Likely benign for Hereditary cancer-predisposing syndrome. Last evaluated: 2019-07-24. Review status: criteria provided, single submitter. Criteria: Ambry Variant Classification Scheme 2023. Collection method: clinical testing. Allele origin: germline.

PreventionGenetics, part of Exact Sciences
Classification: Likely benign for KIT-related condition. Last evaluated: 2019-07-16. Review status: no assertion criteria provided. Collection method: clinical testing. Allele origin: germline. Not counted in ClinVar's aggregate classification.
Comment: This variant is classified as likely benign based on ACMG/AMP sequence variant interpretation guidelines (Richards et al. 2015 PMID: 25741868, with internal and published modifications).

NM_000222.3(KIT):c.591G>A (p.Ser197=)

Gene: KIT (KIT proto-oncogene, receptor tyrosine kinase; plus strand). Cytogenetic location: 4q12.
Variant type: single nucleotide variant.
Coding change: c.591G>A on transcript NM_000222.3 (MANE Select); coding-DNA position 591, G replaced by A.
Protein change: p.Ser197=; no amino-acid change (serine 197 retained).
Molecular consequence: synonymous variant.
Genome position (GRCh38, 1-based): chr4:54,698,537, G>A. VCF-style: chr4-54698537-G-A. GRCh37 (hg19) VCF-style: chr4-55564703-G-A.
Other names: c.591G>A, p.Ser197= (NM_001093772.2, NM_001385284.1, NM_001385285.1 and 4 more transcripts).
Identifiers: ClinVar variation 415808 (VCV000415808.19), dbSNP rs140839561, ClinGen allele CA2923266.
Genomic context (GRCh38, chr4:54,698,537, plus strand): 5'-CGCCTACCATCGGCTCTGTCTGCATTGTTCTGTGGACCAGGAGGGCAAGTCAGTGCTGTC[G>A]GAAAAATTCATCCTGAAAGTGAGGCCAGGTACTGGCTCTTTCTTATCTGCCTCTGGGAGT-3'
Protein context (NP_000213.1, residues 187-207): SVDQEGKSVL[Ser197=]EKFILKVRPA